The following is an entry in ClinVar:

NM_000535.7(PMS2):c.1013C>T (p.Pro338Leu)

Gene: PMS2 (PMS1 homolog 2, mismatch repair system component; minus strand). Cytogenetic location: 7p22.1.
Variant type: single nucleotide variant.
Coding change: c.1013C>T on transcript NM_000535.7 (MANE Select); coding-DNA position 1013, C replaced by T.
Protein change: p.Pro338Leu; replaces proline 338 with leucine.
Molecular consequence: missense variant. On other transcripts: non-coding transcript variant (1), intron variant (2).
Genome position (GRCh38, 1-based): chr7:5,989,931, G>A on the plus strand (C>T on the coding strand, the complement: PMS2 is on the minus strand). VCF-style: chr7-5989931-G-A. GRCh37 (hg19) VCF-style: chr7-6029562-G-A.
Other names: c.608C>T, p.Pro203Leu (NM_001322003.2, NM_001322004.2, NM_001322005.2 and 1 more transcripts); c.695C>T, p.Pro232Leu (NM_001322007.2, NM_001322008.2); c.80C>T, p.Pro27Leu (NM_001322011.2, NM_001322012.2); c.440C>T, p.Pro147Leu (NM_001322013.2); c.1013C>T, p.Pro338Leu (NM_001322014.2); c.704C>T, p.Pro235Leu (NM_001322015.2); c.583+2042C>T (NM_001322010.2); c.988+2042C>T (NM_001322006.2); short protein forms P338L, P232L, P235L, P147L, P203L, P27L.
Identifiers: ClinVar variation 455633 (VCV000455633.9), dbSNP rs1554298804, ClinGen allele CA366742989.

ClinVar aggregate classification (germline): Uncertain significance. Review status: criteria provided, multiple submitters, no conflicts (2 of 4 stars). 2 submissions from 2 submitters: Uncertain significance (2). Last evaluated 2024-09-04.

Conditions:
Hereditary nonpolyposis colorectal neoplasms. Identifiers: MedGen C0009405, MeSH D003123.
Hereditary cancer-predisposing syndrome. Also called: Hereditary Cancer Syndrome; Hereditary neoplastic syndrome; Neoplastic Syndromes, Hereditary; Tumor predisposition. Identifiers: Orphanet 140162, MedGen C0027672, MeSH D009386, MONDO:0015356.

Submissions (2):

Labcorp Genetics (formerly Invitae), Labcorp
Classification: Uncertain significance for Hereditary nonpolyposis colorectal neoplasms. Last evaluated: 2024-09-04. Review status: criteria provided, single submitter. Criteria: Invitae Variant Classification Sherloc (09022015). Collection method: clinical testing. Allele origin: germline.
Comment: This sequence change replaces proline, which is neutral and non-polar, with leucine, which is neutral and non-polar, at codon 338 of the PMS2 protein (p.Pro338Leu). This variant is not present in population databases (gnomAD no frequency). This missense change has been observed in individual(s) with colorectal cancer (PMID: 31992580). ClinVar contains an entry for this variant (Variation ID: 455633). Invitae Evidence Modeling of protein sequence and biophysical properties (such as structural, functional, and spatial information, amino acid conservation, physicochemical variation, residue mobility, and thermodynamic stability) indicates that this missense variant is expected to disrupt PMS2 protein function with a positive predictive value of 80%. In summary, the available evidence is currently insufficient to determine the role of this variant in disease. Therefore, it has been classified as a Variant of Uncertain Significance.

Ambry Genetics
Classification: Uncertain significance for Hereditary cancer-predisposing syndrome. Last evaluated: 2023-03-08. Review status: criteria provided, single submitter. Criteria: Ambry Variant Classification Scheme 2023. Collection method: clinical testing. Allele origin: germline.
Comment: The p.P338L variant (also known as c.1013C>T), located in coding exon 10 of the PMS2 gene, results from a C to T substitution at nucleotide position 1013. The proline at codon 338 is replaced by leucine, an amino acid with similar properties. This alteration was identified in an individual with early onset colorectal cancer amongst a cohort of 195 French patients with suspected Lynch syndrome (Wang Q et al. J Med Genet, 2020 Jul;57:487-499). This amino acid position is highly conserved in available vertebrate species. In addition, this alteration is predicted to be deleterious by in silico analysis. Since supporting evidence is limited at this time, the clinical significance of this alteration remains unclear.

Literature cited by the submitters: PubMed 31992580 (cited by Labcorp Genetics (formerly Invitae), Labcorp and Ambry Genetics).